The following is an entry in ClinVar:

ClinVar aggregate classification (germline): Pathogenic (1 of 4 stars; one submission).

Conditions:
Heterotaxy, visceral, 6, autosomal (HTX6). Also called: Heterotaxy, visceral, 6, autosomal recessive. Identifiers: Orphanet 450, MedGen C3553676, MONDO:0013887, OMIM 614779.

Submission:

Labcorp Genetics (formerly Invitae), Labcorp
Classification: Pathogenic for Heterotaxy, visceral, 6, autosomal. Last evaluated: 2023-04-22. Review status: criteria provided, single submitter. Criteria: Invitae Variant Classification Sherloc (09022015). Collection method: clinical testing. Allele origin: germline.
Comment: This variant has not been reported in the literature in individuals affected with CFAP53-related conditions. For these reasons, this variant has been classified as Pathogenic. This variant is present in population databases (no rsID available, gnomAD 0.006%). This sequence change creates a premature translational stop signal (p.Met335Lysfs*8) in the CFAP53 gene. It is expected to result in an absent or disrupted protein product. Loss-of-function variants in CFAP53 are known to be pathogenic (PMID: 22577226, 25504577, 26531781).

Literature cited by the submitters: PubMed 22577226; PubMed 25504577; PubMed 26531781.

NM_145020.5(CFAP53):c.1004_1008del (p.Met335fs)

Gene: CFAP53 (cilia and flagella associated protein 53; minus strand). Cytogenetic location: 18q21.1.
Variant type: Deletion.
Coding change: c.1004_1008del on transcript NM_145020.5 (MANE Select); coding-DNA positions 1004 to 1008, 5 bases deleted (TGATA; older notation c.1004_1008delTGATA).
Protein change: p.Met335fs; shifts the reading frame from methionine 335.
Molecular consequence: frameshift variant.
Genome position (GRCh38, 1-based): chr18:50,243,105-50,243,109, TATCA deleted on the plus strand (TGATA on the coding strand, the reverse complement: CFAP53 is on the minus strand); deleting any 5 consecutive bases within chr18:50,243,105-50,243,113 gives the same sequence; the c. name uses the placement nearest the transcript's 3' end. VCF-style (leftmost placement, unchanged base first): chr18-50243104-TTATCA-T. GRCh37 (hg19) VCF-style: chr18-47769474-TTATCA-T.
Other names: short protein forms M335fs.
Identifiers: ClinVar variation 2914683 (VCV002914683.3), dbSNP rs1178515683, ClinGen allele CA629925732.